The following is an entry in ClinVar:

ClinVar aggregate classification (germline): Benign. Review status: criteria provided, multiple submitters, no conflicts (2 of 4 stars). 6 submissions from 6 submitters: Benign (6). Last evaluated 2026-02-04.

Conditions:
Multiple gastrointestinal atresias. Also called: FAMILIAL INTESTINAL POLYATRESIA SYNDROME; Multiple intestinal atresia. Identifiers: Orphanet 2300, MedGen C0220744, MONDO:0009465.

Allele frequency attached by ClinVar (database versions not stated): 1000 Genomes Project 0.13678; 1000 Genomes Project 30x 0.13804; ExAC 0.15503; gnomAD exomes 0.15556 and 0.16077; TOPMed 0.16362; ESP Exome Variant Server 0.16439; gnomAD 0.17038 and 0.17316.
gnomAD v4.1: 260,739 of 1,613,748 alleles (16%); highest among the groups gnomAD compares: Middle Eastern, 22%; 22,399 homozygotes.

Submissions (6):

Labcorp Genetics (formerly Invitae), Labcorp
Classification: Benign for Multiple gastrointestinal atresias. Last evaluated: 2026-02-04. Review status: criteria provided, single submitter. Criteria: Invitae Variant Classification Sherloc (09022015). Collection method: clinical testing. Allele origin: germline.

Blueprint Genetics
Classification: Benign. Last evaluated: 2024-11-26. Review status: criteria provided, single submitter. Criteria: ACMG Guidelines, 2015. Collection method: clinical testing. Allele origin: germline.

Unidad de Genómica Garrahan, Hospital de Pediatría Garrahan
Classification: Benign. Last evaluated: 2024-01-24. Review status: criteria provided, single submitter. Criteria: ACMG Guidelines, 2015. Collection method: clinical testing. Allele origin: germline. Affected: no. Observed: 28 variant alleles.
Comment: This variant is classified as Benign based on local population frequency. This variant was detected in 29% of patients studied by a panel of primary immunodeficiencies. Number of patients: 28. Only high quality variants are reported.

GeneDx
Classification: Benign. Last evaluated: 2018-07-09. Review status: criteria provided, single submitter. Criteria: GeneDx Variant Classification Process June 2021. Collection method: clinical testing. Allele origin: germline. Affected: yes.

Mayo Clinic Laboratories, Mayo Clinic
Classification: Benign. Last evaluated: 2018-03-23. Review status: criteria provided, single submitter. Criteria: ACMG Guidelines, 2015. Collection method: clinical testing. Allele origin: germline. Observed: 122 variant alleles.

Breakthrough Genomics
Classification: Benign. Review status: criteria provided, single submitter. Criteria: ACMG Guidelines, 2015. Collection method: not provided. Allele origin: germline. Inheritance: Autosomal recessive inheritance. Affected: yes.

NM_020458.4(TTC7A):c.798G>A (p.Glu266=)

Gene: TTC7A (tetratricopeptide repeat domain 7A; plus strand). Cytogenetic location: 2p21.
Variant type: single nucleotide variant.
Coding change: c.798G>A on transcript NM_020458.4 (MANE Select); coding-DNA position 798, G replaced by A.
Protein change: p.Glu266=; no amino-acid change (glutamic acid 266 retained).
Molecular consequence: synonymous variant. On other transcripts: 5 prime UTR variant (1).
Genome position (GRCh38, 1-based): chr2:46,993,483, G>A. VCF-style: chr2-46993483-G-A. GRCh37 (hg19) VCF-style: chr2-47220622-G-A.
Other names: p.Glu266=; c.798G>A, p.Glu266= (NM_001288951.2); c.696G>A, p.Glu232= (NM_001288953.2); c.-107G>A (NM_001288955.2).
Identifiers: ClinVar variation 1166646 (VCV001166646.17), dbSNP rs17480869, ClinGen allele CA1647362.